The following is an entry in ClinVar:

NM_000081.4(LYST):c.9839G>A (p.Arg3280Gln)

Gene: LYST (lysosomal trafficking regulator; minus strand). Cytogenetic location: 1q42.3.
Variant type: single nucleotide variant.
Coding change: c.9839G>A on transcript NM_000081.4 (MANE Select); coding-DNA position 9839, G replaced by A.
Protein change: p.Arg3280Gln; replaces arginine 3280 with glutamine.
Molecular consequence: missense variant.
Genome position (GRCh38, 1-based): chr1:235,712,143, C>T on the plus strand (G>A on the coding strand, the complement: LYST is on the minus strand). VCF-style: chr1-235712143-C-T. GRCh37 (hg19) VCF-style: chr1-235875443-C-T.
Other names: c.9839G>A, p.Arg3280Gln (NM_001301365.1); c.9839G>A (NM_000081.2); short protein forms R3280Q.
Identifiers: ClinVar variation 659631 (VCV000659631.6), dbSNP rs368573685, ClinGen allele CA1465485.
Genomic context (GRCh38, chr1:235,712,143, plus strand): 5'-AGATAGAAAAACTCTGGGATAAGTTCTTTCACATCAGTCATAGATTCAAAAGATGAGAGT[C>T]GCCAAGTTGTATTTGTAGAATGAAAAGTTCTGTCTGGAATGTCAAAACTTTGATCTATAA-3'
Protein context (NP_000072.2, residues 3270-3290): RTFHSTNTTW[Arg3280Gln]LSSFESMTDV

ClinVar aggregate classification (germline): Uncertain significance. Review status: criteria provided, multiple submitters, no conflicts (2 of 4 stars). 2 submissions from 2 submitters: Uncertain significance (2). Last evaluated 2025-12-22.

Conditions:
Chédiak-Higashi syndrome (CHS). Also called: Chediak-Higashi Syndrome. Identifiers: Orphanet 167, MedGen C0007965, MONDO:0008963, OMIM 214500.
Inborn genetic diseases. Identifiers: MedGen C0950123, MeSH D030342.

Allele frequency attached by ClinVar (database versions not stated): TOPMed below 0.00001; gnomAD 0.00001; gnomAD exomes 0.00001; ExAC 0.00006; ESP Exome Variant Server 0.00008.
gnomAD v4.1: 10 of 1,579,722 alleles (0.00063%); highest among the groups gnomAD compares: East Asian, 0.0046%; no homozygotes.

Submissions (2):

Ambry Genetics
Classification: Uncertain significance for Inborn genetic diseases. Last evaluated: 2025-12-22. Review status: criteria provided, single submitter. Criteria: Ambry Variant Classification Scheme 2023. Collection method: clinical testing. Allele origin: germline.

Labcorp Genetics (formerly Invitae), Labcorp
Classification: Uncertain significance for Chédiak-Higashi syndrome. Last evaluated: 2022-10-24. Review status: criteria provided, single submitter. Criteria: Invitae Variant Classification Sherloc (09022015). Collection method: clinical testing. Allele origin: germline.
Comment: This sequence change replaces arginine, which is basic and polar, with glutamine, which is neutral and polar, at codon 3280 of the LYST protein (p.Arg3280Gln). The frequency data for this variant in the population databases is considered unreliable, as metrics indicate poor data quality at this position in the gnomAD database. This variant has not been reported in the literature in individuals affected with LYST-related conditions. ClinVar contains an entry for this variant (Variation ID: 659631). Advanced modeling of protein sequence and biophysical properties (such as structural, functional, and spatial information, amino acid conservation, physicochemical variation, residue mobility, and thermodynamic stability) performed at Invitae indicates that this missense variant is expected to disrupt LYST protein function. In summary, the available evidence is currently insufficient to determine the role of this variant in disease. Therefore, it has been classified as a Variant of Uncertain Significance.